The following is an entry in ClinVar:

ClinVar aggregate classification (germline): Conflicting classifications of pathogenicity. Review status: criteria provided, conflicting classifications (1 of 4 stars). 3 submissions from 3 submitters: Uncertain significance (1); Benign (2). Last evaluated 2019-01-25.

Conditions:
Monogenic diabetes. Identifiers: Orphanet 183625, MedGen C3888631, MONDO:0015967.

Allele frequency attached by ClinVar (database versions not stated): gnomAD exomes 0.00055 and 0.00144; ExAC 0.00165; 1000 Genomes Project 0.00539; gnomAD 0.00580 and 0.00628; 1000 Genomes Project 30x 0.00593; ESP Exome Variant Server 0.00639; TOPMed 0.00652.
gnomAD v4.1: 1,720 of 1,613,996 alleles (0.11%); highest among the groups gnomAD compares: African/African-American, 2%; 17 homozygotes.

Submissions (3):

Personalized Diabetes Medicine Program, University of Maryland School of Medicine
Classification: Benign for Monogenic diabetes. Last evaluated: 2019-01-25. Review status: criteria provided, single submitter. Criteria: ACMG Guidelines, 2015. Collection method: research. Allele origin: unknown. Observed: 6 variant alleles, 6 heterozygotes.
Comment: ACMG criteria: BA1 (2.1% MAF in gnomAD Africans), BS2 (66 cases and 47 controls in T2DM)= benign (REVEL 0.199 + PP3/3 predictors + BP4/7 predictors: conflicting evidence, not using)

Labcorp Genetics (formerly Invitae), Labcorp
Classification: Benign. Last evaluated: 2018-08-20. Review status: criteria provided, single submitter. Criteria: Invitae Variant Classification Sherloc (09022015). Collection method: clinical testing. Allele origin: germline.

Genetic Services Laboratory, University of Chicago
Classification: Uncertain significance. Last evaluated: 2013-09-05. Review status: criteria provided, single submitter. Criteria: ACMG Guidelines, 2007. Collection method: clinical testing. Allele origin: germline. Inheritance: Autosomal dominant inheritance.

NM_002666.5(PLIN1):c.1139C>T (p.Ala380Val)

Gene: PLIN1 (perilipin 1; minus strand). Cytogenetic location: 15q26.1.
Variant type: single nucleotide variant.
Coding change: c.1139C>T on transcript NM_002666.5 (MANE Select); coding-DNA position 1139, C replaced by T.
Protein change: p.Ala380Val; replaces alanine 380 with valine.
Molecular consequence: missense variant.
Genome position (GRCh38, 1-based): chr15:89,667,006, G>A on the plus strand (C>T on the coding strand, the complement: PLIN1 is on the minus strand). VCF-style: chr15-89667006-G-A. GRCh37 (hg19) VCF-style: chr15-90210237-G-A.
Other names: c.1139C>T, p.Ala380Val (NM_001145311.2); short protein forms A380V.
Identifiers: ClinVar variation 129967 (VCV000129967.12), dbSNP rs146385147, ClinGen allele CA231399.